The following is an entry in ClinVar:

NM_001854.4(COL11A1):c.120T>A (p.Asp40Glu)

Gene: COL11A1 (collagen type XI alpha 1 chain; minus strand). Cytogenetic location: 1p21.1.
Variant type: single nucleotide variant.
Coding change: c.120T>A on transcript NM_001854.4 (MANE Select); coding-DNA position 120, T replaced by A.
Protein change: p.Asp40Glu; replaces aspartic acid 40 with glutamic acid.
Molecular consequence: missense variant. On other transcripts: non-coding transcript variant (1).
Genome position (GRCh38, 1-based): chr1:103,082,959, A>T on the plus strand (T>A on the coding strand, the complement: COL11A1 is on the minus strand). VCF-style: chr1-103082959-A-T. GRCh37 (hg19) VCF-style: chr1-103548515-A-T.
Other names: c.120T>A, p.Asp40Glu (NM_001190709.2, NM_080629.3, NM_080630.4); short protein forms D40E.
Identifiers: ClinVar variation 3633590 (VCV003633590.2).
Genomic context (GRCh38, chr1:103,082,959, plus strand): 5'-AAATCCCGTTGTTTTTGATATTCCCTCTGGAGAATTGTGAAAATCTAGTGCTTTTAGTAC[A>T]TCAACTGGAGCAGCTGAAAAATAAGCAAACAATAAAAAACCAGAATTGAACAACGATCTG-3'
Protein context (NP_001845.3, residues 30-50): AREVRGAAPV[Asp40Glu]VLKALDFHNS

ClinVar aggregate classification (germline): Uncertain significance (1 of 4 stars; one submission).

gnomAD v4.1: 1 of 1,613,108 alleles (0.000062%); highest among the groups gnomAD compares: East Asian, 0.0022%; no homozygotes.

Submission:

Labcorp Genetics (formerly Invitae), Labcorp
Classification: Uncertain significance. Last evaluated: 2024-11-27. Review status: criteria provided, single submitter. Criteria: Invitae Variant Classification Sherloc (09022015). Collection method: clinical testing. Allele origin: germline.
Comment: This sequence change replaces aspartic acid, which is acidic and polar, with glutamic acid, which is acidic and polar, at codon 40 of the COL11A1 protein (p.Asp40Glu). This variant is not present in population databases (gnomAD no frequency). This variant has not been reported in the literature in individuals affected with COL11A1-related conditions. Invitae Evidence Modeling of protein sequence and biophysical properties (such as structural, functional, and spatial information, amino acid conservation, physicochemical variation, residue mobility, and thermodynamic stability) indicates that this missense variant is not expected to disrupt COL11A1 protein function with a negative predictive value of 95%. In summary, the available evidence is currently insufficient to determine the role of this variant in disease. Therefore, it has been classified as a Variant of Uncertain Significance.